The following is an entry in ClinVar:

NM_006946.4(SPTBN2):c.793G>C (p.Asp265His)

Gene: SPTBN2 (spectrin beta, non-erythrocytic 2; minus strand). Cytogenetic location: 11q13.2.
Variant type: single nucleotide variant.
Coding change: c.793G>C on transcript NM_006946.4 (MANE Select); coding-DNA position 793, G replaced by C.
Protein change: p.Asp265His; replaces aspartic acid 265 with histidine.
Molecular consequence: missense variant.
Genome position (GRCh38, 1-based): chr11:66,711,009, C>G on the plus strand (G>C on the coding strand, the complement: SPTBN2 is on the minus strand). VCF-style: chr11-66711009-C-G. GRCh37 (hg19) VCF-style: chr11-66478480-C-G.
Other names: short protein forms D265H.
Identifiers: ClinVar variation 1195160 (VCV001195160.2), dbSNP rs2135491492, ClinGen allele CA381482799.

ClinVar aggregate classification (germline): Likely pathogenic (1 of 4 stars; one submission).

Submission:

GeneDx
Classification: Likely pathogenic. Last evaluated: 2021-03-11. Review status: criteria provided, single submitter. Criteria: GeneDx Variant Classification Process June 2021. Collection method: clinical testing. Allele origin: germline. Affected: yes.
Comment: Not observed in large population cohorts (Lek et al., 2016); In silico analysis, which includes protein predictors and evolutionary conservation, supports a deleterious effect; Has not been previously published as pathogenic or benign to our knowledge